The following is an entry in ClinVar:

ClinVar aggregate classification (germline): Benign/Likely benign. Review status: criteria provided, multiple submitters, no conflicts (2 of 4 stars). 4 submissions from 4 submitters: Benign (3); Likely benign (1). Last evaluated 2026-01-19.

Conditions:
DYRK1A-related disorder.
DYRK1A-related intellectual disability syndrome (MRD7). Also called: DYRK1A Syndrome; Intellectual developmental disorder, autosomal dominant 7. Identifiers: Orphanet 464306, MedGen C5568143, MONDO:0013578, OMIM 614104.

Allele frequency attached by ClinVar (database versions not stated): gnomAD exomes 0.00022; ExAC 0.00029; gnomAD 0.00062 and 0.00065; TOPMed 0.00075; ESP Exome Variant Server 0.00077; 1000 Genomes Project 30x 0.00156; 1000 Genomes Project 0.00160.
gnomAD v4.1: 193 of 1,602,014 alleles (0.012%); highest among the groups gnomAD compares: African/African-American, 0.2%; 1 homozygote.

Submissions (4):

Labcorp Genetics (formerly Invitae), Labcorp
Classification: Benign for DYRK1A-related intellectual disability syndrome. Last evaluated: 2026-01-19. Review status: criteria provided, single submitter. Criteria: Invitae Variant Classification Sherloc (09022015). Collection method: clinical testing. Allele origin: germline.

PreventionGenetics, part of Exact Sciences
Classification: Likely benign for DYRK1A-related condition. Last evaluated: 2026-01-13. Review status: criteria provided, single submitter. Criteria: ACMG Guidelines, 2015. Collection method: clinical testing. Allele origin: germline.
Comment: This variant is classified as likely benign based on ACMG/AMP sequence variant interpretation guidelines (Richards et al. 2015 PMID: 25741868, with internal and published modifications).

Athena Diagnostics
Classification: Benign. Last evaluated: 2024-12-09. Review status: criteria provided, single submitter. Criteria: Athena Diagnostics Criteria. Collection method: clinical testing. Allele origin: unknown.
Comment: The frequency of this variant in the general population is higher than would generally be expected for pathogenic variants in this gene. Computational tools yielded predictions that this variant is unlikely to have an effect on normal RNA splicing. This nucleotide position exhibits low evolutionary conservation.

GeneDx
Classification: Benign. Last evaluated: 2019-05-24. Review status: criteria provided, single submitter. Criteria: GeneDx Variant Classification Process June 2021. Collection method: clinical testing. Allele origin: germline. Affected: yes.

NM_001347721.2(DYRK1A):c.1213-7C>T

Gene: DYRK1A (dual specificity tyrosine phosphorylation regulated kinase 1A; plus strand). Cytogenetic location: 21q22.13.
Variant type: single nucleotide variant.
Coding change: c.1213-7C>T on transcript NM_001347721.2 (MANE Select); 7 bases into the intron before coding-DNA position 1213, C replaced by T.
Molecular consequence: intron variant.
Genome position (GRCh38, 1-based): chr21:37,505,276, C>T. VCF-style: chr21-37505276-C-T. GRCh37 (hg19) VCF-style: chr21-38877579-C-T.
Other names: c.1240-7C>T (NM_001396.4, NM_001396.5, NM_101395.2 and 1 more transcripts); c.1213-7C>T (NM_001347722.2, NM_130436.2); c.1126-7C>T (NM_001347723.2).
Identifiers: ClinVar variation 472242 (VCV000472242.15), dbSNP rs199867876, ClinGen allele CA10023949.
Genomic context (GRCh38, chr21:37,505,276, plus strand): 5'-TTCAATTATGTGAGTGTTTACGTATTCCACCAAATTTAGAGAAAGCCTTTCATCTTCTCT[C>T]TTACAGGAGTACAAACCACCAGGAACCCGTAAACTTCATAACATTCTTGGAGTGGAAACA-3'